The following is an entry in ClinVar:

NM_015570.4(AUTS2):c.1944G>C (p.Lys648Asn)

Gene: AUTS2 (activator of transcription and developmental regulator AUTS2; plus strand). Cytogenetic location: 7q11.22.
Variant type: single nucleotide variant.
Coding change: c.1944G>C on transcript NM_015570.4 (MANE Select); coding-DNA position 1944, G replaced by C.
Protein change: p.Lys648Asn; replaces lysine 648 with asparagine.
Molecular consequence: missense variant.
Genome position (GRCh38, 1-based): chr7:70,777,114, G>C. VCF-style: chr7-70777114-G-C. GRCh37 (hg19) VCF-style: chr7-70242100-G-C.
Other names: c.1872G>C, p.Lys624Asn (NM_001127231.3); short protein forms K624N, K648N.
Identifiers: ClinVar variation 2955181 (VCV002955181.3), dbSNP rs767148078, ClinGen allele CA367669733.

ClinVar aggregate classification (germline): Uncertain significance (1 of 4 stars; one submission).

gnomAD v4.1: 1 of 1,614,142 alleles (0.000062%); highest among the groups gnomAD compares: Non-Finnish European, 0.000085%; no homozygotes.

Submission:

Labcorp Genetics (formerly Invitae), Labcorp
Classification: Uncertain significance. Last evaluated: 2023-08-23. Review status: criteria provided, single submitter. Criteria: Invitae Variant Classification Sherloc (09022015). Collection method: clinical testing. Allele origin: germline.
Comment: In summary, the available evidence is currently insufficient to determine the role of this variant in disease. Therefore, it has been classified as a Variant of Uncertain Significance. Advanced modeling of protein sequence and biophysical properties (such as structural, functional, and spatial information, amino acid conservation, physicochemical variation, residue mobility, and thermodynamic stability) performed at Invitae indicates that this missense variant is expected to disrupt AUTS2 protein function. This variant has not been reported in the literature in individuals affected with AUTS2-related conditions. This variant is not present in population databases (gnomAD no frequency). This sequence change replaces lysine, which is basic and polar, with asparagine, which is neutral and polar, at codon 648 of the AUTS2 protein (p.Lys648Asn).